The following is an entry in ClinVar:

NM_001909.5(CTSD):c.189C>T (p.Thr63=)

Genes: PRADX (PRC2 and DDX5 associated lncRNA; plus strand), CTSD (cathepsin D; minus strand). Cytogenetic location: 11p15.5.
Variant type: single nucleotide variant.
Coding change: c.189C>T on transcript NM_001909.5 (MANE Select); coding-DNA position 189, C replaced by T.
Protein change: p.Thr63=; no amino-acid change (threonine 63 retained).
Molecular consequence: synonymous variant.
Genome position (GRCh38, 1-based): chr11:1,761,348, G>A on the plus strand (C>T on the coding strand, the complement: CTSD is on the minus strand). VCF-style: chr11-1761348-G-A. GRCh37 (hg19) VCF-style: chr11-1782578-G-A.
Other names: p.T63T:ACC>ACT; p.Thr63=.
Identifiers: ClinVar variation 128874 (VCV000128874.31), dbSNP rs114051835, ClinGen allele CA288799.

ClinVar aggregate classification (germline): Benign/Likely benign. Review status: criteria provided, multiple submitters, no conflicts (2 of 4 stars). 12 submissions from 12 submitters: Benign (9); Likely benign (1). 2 of the submissions do not count toward it. Last evaluated 2026-02-02.

Conditions:
Inborn genetic diseases. Identifiers: MedGen C0950123, MeSH D030342.
Neuronal ceroid lipofuscinosis. Also called: Neuronal Ceroid Lipofuscinoses. Identifiers: Orphanet 216, Orphanet 79263, MedGen C0027877, MONDO:0016295. Disease mechanism: loss of function.
Neuronal ceroid lipofuscinosis 10 (CLN10). Also called: NEURONAL CEROID LIPOFUSCINOSIS DUE TO CATHEPSIN D DEFICIENCY; CTSD-Related Neuronal Ceroid-Lipofuscinosis. Identifiers: Orphanet 228337, MedGen C1864669, MONDO:0012414, OMIM 610127.

Allele frequency attached by ClinVar (database versions not stated): 1000 Genomes Project 0.01258; TOPMed 0.01346; 1000 Genomes Project 30x 0.01390; ESP Exome Variant Server 0.01415; ExAC 0.00412; gnomAD 0.01135 and 0.01221; gnomAD exomes 0.00128 and 0.00350.
gnomAD v4.1: 3,686 of 1,613,750 alleles (0.23%); highest among the groups gnomAD compares: African/African-American, 4.2%; 72 homozygotes.

Submissions (12):

Labcorp Genetics (formerly Invitae), Labcorp
Classification: Benign for Neuronal ceroid lipofuscinosis. Last evaluated: 2026-02-02. Review status: criteria provided, single submitter. Criteria: Invitae Variant Classification Sherloc (09022015). Collection method: clinical testing. Allele origin: germline.

Fulgent Genetics
Classification: Likely benign for Neuronal ceroid lipofuscinosis 10. Last evaluated: 2021-09-01. Review status: criteria provided, single submitter. Criteria: ACMG Guidelines, 2015. Collection method: clinical testing. Allele origin: unknown.

Athena Diagnostics
Classification: Benign. Last evaluated: 2019-04-19. Review status: criteria provided, single submitter. Criteria: Athena Diagnostics Criteria. Collection method: clinical testing. Allele origin: germline.

Mayo Clinic Laboratories, Mayo Clinic
Classification: Benign. Last evaluated: 2019-04-05. Review status: criteria provided, single submitter. Criteria: ACMG Guidelines, 2015. Collection method: clinical testing. Allele origin: germline. Observed: 7 variant alleles.

Illumina Laboratory Services, Illumina
Classification: Benign for Neuronal ceroid lipofuscinosis 10. Last evaluated: 2018-01-13. Review status: criteria provided, single submitter. Criteria: ICSL Variant Classification Criteria 13 December 2019. Collection method: clinical testing. Allele origin: germline.
Comment: This variant was observed in the ICSL laboratory as part of a predisposition screen in an ostensibly healthy population. It had not been previously curated by ICSL or reported in the Human Gene Mutation Database (HGMD: prior to June 1st, 2018), and was therefore a candidate for classification through an automated scoring system. Utilizing variant allele frequency, disease prevalence and penetrance estimates, and inheritance mode, an automated score was calculated to assess if this variant is too frequent to cause the disease. Based on the score and internal cut-off values, a variant classified as benign is not then subjected to further curation. The score for this variant resulted in a classification of benign for this disease.

Ambry Genetics
Classification: Benign for Inborn genetic diseases. Last evaluated: 2016-08-03. Review status: criteria provided, single submitter. Criteria: Ambry Variant Classification Scheme 2023. Collection method: clinical testing. Allele origin: germline.

Clinical Genetics DNA and cytogenetics Diagnostics Lab, Erasmus MC, Erasmus Medical Center
Classification: Benign for Neuronal ceroid lipofuscinosis 10. Last evaluated: 2015-09-21. Review status: criteria provided, single submitter. Criteria: ACGS Guidelines, 2013. Collection method: clinical testing. Allele origin: germline. Affected: yes. Study: VKGL Data-share Consensus.

GeneDx
Classification: Benign. Last evaluated: 2013-06-14. Review status: criteria provided, single submitter. Criteria: GeneDx Variant Classification (06012015). Collection method: clinical testing. Allele origin: germline. Affected: yes.
Comment: This variant is considered likely benign or benign based on one or more of the following criteria: it is a conservative change, it occurs at a poorly conserved position in the protein, it is predicted to be benign by multiple in silico algorithms, and/or has population frequency not consistent with disease.

Breakthrough Genomics
Classification: Benign. Review status: criteria provided, single submitter. Criteria: ACMG Guidelines, 2015. Collection method: not provided. Allele origin: germline. Inheritance: Autosomal recessive inheritance. Affected: yes.

PreventionGenetics, part of Exact Sciences
Classification: Benign. Review status: criteria provided, single submitter. Criteria: ACMG Guidelines, 2015. Collection method: clinical testing. Allele origin: germline.

Genome Diagnostics Laboratory, Amsterdam University Medical Center
Classification: Likely benign for Neuronal ceroid lipofuscinosis 10. Last evaluated: 2017-06-02. Review status: no assertion criteria provided. Criteria: ACGS Guidelines, 2013. Collection method: clinical testing. Allele origin: germline. Affected: yes. Study: VKGL Data-share Consensus. Not counted in ClinVar's aggregate classification.

Genetic Services Laboratory, University of Chicago
Classification: Likely benign for AllHighlyPenetrant. Review status: no assertion criteria provided. Collection method: clinical testing. Allele origin: germline. Inheritance: Autosomal recessive inheritance. Not counted in ClinVar's aggregate classification.
Comment: Likely benign based on allele frequency in 1000 Genomes Project or ESP global frequency and its presence in a patient with a rare or unrelated disease phenotype. NOT Sanger confirmed.